The following is an entry in ClinVar:

NM_000208.4(INSR):c.3489A>C (p.Arg1163Ser)

Gene: INSR (insulin receptor; minus strand). Cytogenetic location: 19p13.2.
Variant type: single nucleotide variant.
Coding change: c.3489A>C on transcript NM_000208.4 (MANE Select); coding-DNA position 3489, A replaced by C.
Protein change: p.Arg1163Ser; replaces arginine 1163 with serine.
Molecular consequence: missense variant.
Genome position (GRCh38, 1-based): chr19:7,122,654, T>G on the plus strand (A>C on the coding strand, the complement: INSR is on the minus strand). VCF-style: chr19-7122654-T-G. GRCh37 (hg19) VCF-style: chr19-7122665-T-G.
Other names: c.3453A>C, p.Arg1151Ser (NM_001079817.3); short protein forms R1163S, R1151S.
Identifiers: ClinVar variation 2012772 (VCV002012772.4), dbSNP rs1972521803, ClinGen allele CA403670196.
Genomic context (GRCh38, chr19:7,122,654, plus strand): 5'-AAGCAGAAAGCCAGACGAACCTCCAATTTTGACAGTAAAATCATGGGCGACCATGCAGTT[T>G]CTCGCTGCCAGGTCCCGATGCACAAACTTCTTGGCGTTCAGGTAGGCCATCCCGTCAGCA-3'
Protein context (NP_000199.2, residues 1153-1173): KKFVHRDLAA[Arg1163Ser]NCMVAHDFTV

ClinVar aggregate classification (germline): Uncertain significance (1 of 4 stars; one submission).

Submission:

Labcorp Genetics (formerly Invitae), Labcorp
Classification: Uncertain significance. Last evaluated: 2022-10-29. Review status: criteria provided, single submitter. Criteria: Invitae Variant Classification Sherloc (09022015). Collection method: clinical testing. Allele origin: germline.
Comment: This variant has not been reported in the literature in individuals affected with INSR-related conditions. Advanced modeling of protein sequence and biophysical properties (such as structural, functional, and spatial information, amino acid conservation, physicochemical variation, residue mobility, and thermodynamic stability) performed at Invitae indicates that this missense variant is expected to disrupt INSR protein function. In summary, the available evidence is currently insufficient to determine the role of this variant in disease. Therefore, it has been classified as a Variant of Uncertain Significance. This sequence change replaces arginine, which is basic and polar, with serine, which is neutral and polar, at codon 1163 of the INSR protein (p.Arg1163Ser). This variant is not present in population databases (gnomAD no frequency).